The following is an entry in ClinVar:

NM_003859.3(DPM1):c.178A>T (p.Ile60Phe)

Gene: DPM1 (dolichyl-phosphate mannosyltransferase subunit 1, catalytic; minus strand). Cytogenetic location: 20q13.13.
Variant type: single nucleotide variant.
Coding change: c.178A>T on transcript NM_003859.3 (MANE Select); coding-DNA position 178, A replaced by T.
Protein change: p.Ile60Phe; replaces isoleucine 60 with phenylalanine.
Molecular consequence: missense variant. On other transcripts: non-coding transcript variant (1).
Genome position (GRCh38, 1-based): chr20:50,955,269, T>A on the plus strand (A>T on the coding strand, the complement: DPM1 is on the minus strand). VCF-style: chr20-50955269-T-A. GRCh37 (hg19) VCF-style: chr20-49571806-T-A.
Other names: c.178A>T, p.Ile60Phe (NM_001317034.1, NM_001317035.1, NM_001317036.1); short protein forms I60F.
Identifiers: ClinVar variation 946534 (VCV000946534.7), dbSNP rs1986768557, ClinGen allele CA408978759.
Genomic context (GRCh38, chr20:50,955,269, plus strand): 5'-TCTCCAACTGTTCAGCAACATCCCTTGTTCCATCTGGGCTTCCATCATCTATGATTATAA[T>A]TTCATAGTTGATTCCACTAAAAAAATTAAATTTGTATTAATGACTGATGACAGTGTTCTC-3'
Protein context (NP_003850.1, residues 50-70): SFSESGINYE[Ile60Phe]IIIDDGSPDG

ClinVar aggregate classification (germline): Uncertain significance (1 of 4 stars; one submission).

Conditions:
Congenital disorder of glycosylation type 1E (CDG1E). Also called: CONGENITAL DISORDER OF GLYCOSYLATION, TYPE Ie; CDG Ie. Identifiers: Orphanet 79322, MedGen C1837396, MONDO:0012123, OMIM 608799.

Submission:

Labcorp Genetics (formerly Invitae), Labcorp
Classification: Uncertain significance for Congenital disorder of glycosylation type 1E. Last evaluated: 2022-08-09. Review status: criteria provided, single submitter. Criteria: Invitae Variant Classification Sherloc (09022015). Collection method: clinical testing. Allele origin: germline.
Comment: Algorithms developed to predict the effect of missense changes on protein structure and function are either unavailable or do not agree on the potential impact of this missense change (SIFT: "Deleterious"; PolyPhen-2: "Probably Damaging"; Align-GVGD: "Class C0"). ClinVar contains an entry for this variant (Variation ID: 946534). This variant has not been reported in the literature in individuals affected with DPM1-related conditions. This variant is not present in population databases (gnomAD no frequency). Algorithms developed to predict the effect of sequence changes on RNA splicing suggest that this variant may create or strengthen a splice site. This sequence change replaces isoleucine, which is neutral and non-polar, with phenylalanine, which is neutral and non-polar, at codon 60 of the DPM1 protein (p.Ile60Phe). In summary, the available evidence is currently insufficient to determine the role of this variant in disease. Therefore, it has been classified as a Variant of Uncertain Significance.